The following is an entry in ClinVar:

NM_000169.3(GLA):c.791A>T (p.Asp264Val)

Genes: GLA (galactosidase alpha; minus strand), RPL36A-HNRNPH2 (RPL36A-HNRNPH2 readthrough; plus strand). Cytogenetic location: Xq22.1.
Variant type: single nucleotide variant.
Coding change: c.791A>T on transcript NM_000169.3 (MANE Select); coding-DNA position 791, A replaced by T.
Protein change: p.Asp264Val; replaces aspartic acid 264 with valine.
Molecular consequence: missense variant. On other transcripts: non-coding transcript variant (3), intron variant (2).
Genome position (GRCh38, 1-based): chrX:101,398,795, T>A on the plus strand (A>T on the coding strand, the complement: GLA is on the minus strand). VCF-style: chrX-101398795-T-A. GRCh37 (hg19) VCF-style: chrX-100653783-T-A.
Other names: c.914A>T, p.Asp305Val (NM_001406747.1); c.791A>T, p.Asp264Val (NM_001406748.1); c.300+3338T>A (NM_001199973.2); c.177+6973T>A (NM_001199974.2); short protein forms D264V, D305V.
Identifiers: ClinVar variation 10734 (VCV000010734.18), dbSNP rs28935486, ClinGen allele CA022056.

ClinVar aggregate classification (germline): Pathogenic/Likely pathogenic. Review status: criteria provided, multiple submitters, no conflicts (2 of 4 stars). 6 submissions from 6 submitters: Pathogenic (4); Likely pathogenic (1). 1 of the submissions does not count toward it. Last evaluated 2026-09-08.

Conditions:
Fabry disease. Also called: Ceramide trihexosidosis; Fabry's disease; CERAMIDE TRIHEXOSIDASE DEFICIENCY; GLA DEFICIENCY; HEREDITARY DYSTOPIC LIPIDOSIS; ALPHA-GALACTOSIDASE A DEFICIENCY. Identifiers: Orphanet 324, MedGen C0002986, MONDO:0010526, OMIM 301500, HP:0001071. Disease mechanism: Fabry disease is due to inactivating mutations in the X-linked GLA gene resulting in deficiency of the enzyme Alpha Galactosidase-A., loss of function.

Submissions (6):

Genomenon, Inc
Classification: Pathogenic for Fabry disease. Last evaluated: 2026-09-08. Review status: criteria provided, single submitter. Criteria: Genomenon Sequence Variant Interpretation Standards - Updated. Collection method: curation. Allele origin: germline. Affected: yes.
Comment: GLA p.Asp264Val (c.791A>T) is a missense variant that changes the amino acid at codon 264 from Aspartic acid to Valine. This variant has been observed in at least one proband with clinical features consistent with Fabry disease (PMID:37940383;9116979). At least one functional study has demonstrated a substantial alteration in protein function relative to the wild-type (PMID:32023956;21598360;27657681;23935525). This variant is located in a mutational hotspot and/or important functional domain. It is absent or not present at a significant frequency in gnomAD. In silico models predict that this variant is possibly or probably damaging. In conclusion, we classify GLA p.Asp264Val (c.791A>T) as a pathogenic variant.

Genome-Nilou Lab
Classification: Pathogenic for Fabry disease. Last evaluated: 2021-07-15. Review status: criteria provided, single submitter. Criteria: ACMG Guidelines, 2015. Collection method: clinical testing. Allele origin: germline. Affected: no.

Labcorp Genetics (formerly Invitae), Labcorp
Classification: Likely pathogenic for Fabry disease. Last evaluated: 2021-03-29. Review status: criteria provided, single submitter. Criteria: Invitae Variant Classification Sherloc (09022015). Collection method: clinical testing. Allele origin: germline.
Comment: In summary, the currently available evidence indicates that the variant is pathogenic, but additional data are needed to prove that conclusively. Therefore, this variant has been classified as Likely Pathogenic. This variant disrupts the p.Asp264 amino acid residue in GLA. Other variant(s) that disrupt this residue have been observed in individuals with GLA-related conditions (PMID: 15712228), which suggests that this may be a clinically significant amino acid residue. Experimental studies have shown that this variant affects GLA protein function (PMID: 21598360). This variant has been observed in individual(s) with Fabry disease (PMID: 7504405, 19387866, 9116979). ClinVar contains an entry for this variant (Variation ID: 10734). This variant is not present in population databases (ExAC no frequency). This sequence change replaces aspartic acid with valine at codon 264 of the GLA protein (p.Asp264Val). The aspartic acid residue is highly conserved and there is a large physicochemical difference between aspartic acid and valine.

Women's Health and Genetics/Laboratory Corporation of America, LabCorp
Classification: Pathogenic for Fabry disease. Last evaluated: 2021-03-23. Review status: criteria provided, single submitter. Criteria: LabCorp Variant Classification Summary - May 2015. Collection method: clinical testing. Allele origin: germline.
Comment: Variant summary: GLA c.791A>T (p.Asp264Val) results in a non-conservative amino acid change in the encoded protein sequence. Five of five in-silico tools predict a damaging effect of the variant on protein function. The variant was absent in 183472 control chromosomes (gnomAD). c.791A>T has been reported in the literature in at least three unrelated individuals affected with Classic Fabry Disease (example: Eng_1993, Wu_2011, Brown_1997). These data indicate that the variant is likely to be associated with disease. In vitro functional assays show that this variant has no enzymatic activity (example: Wu_2011, Lukas_2013). One other ClinVar submitter (evaluation after 2014) cite the variant as pathogenic. Based on the evidence outlined above, the variant was classified as pathogenic.

Eurofins Ntd Llc (ga)
Classification: Pathogenic. Last evaluated: 2018-09-12. Review status: criteria provided, single submitter. Criteria: EGL ClinVar v180209 classification definitions. Collection method: clinical testing. Allele origin: germline. Observed: 1 variant allele, 1 heterozygote.

OMIM
Classification: Pathogenic for FABRY DISEASE. Last evaluated: 1993-12-01. Review status: no assertion criteria provided. Collection method: literature only. Allele origin: germline. Not counted in ClinVar's aggregate classification.

Literature cited by the submitters: PubMed 37940383 (cited by Genomenon, Inc); PubMed 9116979 (cited by 3 submitters); PubMed 32023956 (cited by Genomenon, Inc); PubMed 21598360 (cited by 4 submitters); PubMed 27657681 (cited by Genomenon, Inc); PubMed 23935525 (cited by 3 submitters); PubMed 15712228 (cited by Labcorp Genetics (formerly Invitae), Labcorp and Women's Health and Genetics/Laboratory Corporation of America, LabCorp); PubMed 7504405 (cited by 4 submitters); PubMed 19387866 (cited by Labcorp Genetics (formerly Invitae), Labcorp).